The following is an entry in ClinVar:

NM_058216.3(RAD51C):c.200_203dup (p.Cys68Ter)

Gene: RAD51C (RAD51 paralog C; plus strand). Cytogenetic location: 17q22.
Variant type: Duplication.
Coding change: c.200_203dup on transcript NM_058216.3 (MANE Select); coding-DNA positions 200 to 203, 4 bases duplicated (AATG; older notation c.200_203dupAATG).
Protein change: p.Cys68Ter; replaces cysteine 68 with a stop codon.
Molecular consequence: nonsense. On other transcripts: non-coding transcript variant (2).
Genome position (GRCh38, 1-based): chr17:58,694,985-58,694,988, AATG duplicated; duplicating any 4 consecutive bases within chr17:58,694,984-58,694,988 gives the same sequence; the c. name uses the placement nearest the transcript's 3' end. VCF-style (leftmost placement, unchanged base first): chr17-58694983-A-AGAAT. GRCh37 (hg19) VCF-style: chr17-56772344-A-AGAAT.
Other names: c.200_203dupAATG (NM_058216.1); c.200_203dup, p.Cys68Ter (NM_002876.4); short protein forms C68*.
Identifiers: ClinVar variation 486274 (VCV000486274.5), dbSNP rs1555593521, ClinGen allele CA658658637.

ClinVar aggregate classification (germline): Pathogenic (1 of 4 stars; one submission).

Conditions:
Hereditary cancer-predisposing syndrome. Also called: Tumor predisposition; Hereditary Cancer Syndrome; Hereditary neoplastic syndrome; Neoplastic Syndromes, Hereditary. Identifiers: Orphanet 140162, MedGen C0027672, MeSH D009386, MONDO:0015356.

Submission:

Ambry Genetics
Classification: Pathogenic for Hereditary cancer-predisposing syndrome. Last evaluated: 2016-06-09. Review status: criteria provided, single submitter. Criteria: Ambry Variant Classification Scheme 2023. Collection method: clinical testing. Allele origin: germline.
Comment: The c.200_203dupAATG pathogenic mutation, located in coding exon 2 of the RAD51C gene, results from a duplication of AATG at nucleotide position 200, causing a translational frameshift with a predicted alternate stop codon. In addition to the clinical data presented in the literature, since frameshifts are typically deleterious in nature, this alteration is interpreted as a disease-causing mutation (ACMG Recommendations for Standards for Interpretation and Reporting of Sequence Variations. Revision 2007. Genet Med. 2008;10:294).